The following is an entry in ClinVar:

ClinVar aggregate classification (germline): Uncertain significance (1 of 4 stars; one submission).

gnomAD v4.1: 2 of 1,613,998 alleles (0.00012%); highest among the groups gnomAD compares: Non-Finnish European, 0.00017%; no homozygotes.

Submission:

Ambry Genetics
Classification: Uncertain significance. Last evaluated: 2023-01-08. Review status: criteria provided, single submitter. Criteria: Ambry Variant Classification Scheme 2023. Collection method: clinical testing. Allele origin: germline.
Comment: The p.S628W variant (also known as c.1883C>G), located in coding exon 13 of the NPAT gene, results from a C to G substitution at nucleotide position 1883. The serine at codon 628 is replaced by tryptophan, an amino acid with highly dissimilar properties. This amino acid position is conserved. In addition, this alteration is predicted to be tolerated by in silico analysis. Since supporting evidence is limited at this time, the clinical significance of this alteration remains unclear.

NM_002519.3(NPAT):c.1883C>G (p.Ser628Trp)

Gene: NPAT (nuclear protein, coactivator of histone transcription; minus strand). Cytogenetic location: 11q22.3.
Variant type: single nucleotide variant.
Coding change: c.1883C>G on transcript NM_002519.3 (MANE Select); coding-DNA position 1883, C replaced by G.
Protein change: p.Ser628Trp; replaces serine 628 with tryptophan.
Molecular consequence: missense variant.
Genome position (GRCh38, 1-based): chr11:108,173,101, G>C on the plus strand (C>G on the coding strand, the complement: NPAT is on the minus strand). VCF-style: chr11-108173101-G-C. GRCh37 (hg19) VCF-style: chr11-108043828-G-C.
Other names: c.1883C>G, p.Ser628Trp (NM_001321307.1); short protein forms S628W.
Identifiers: ClinVar variation 2447458 (VCV002447458.2), dbSNP rs764143844, ClinGen allele CA382514148.